The following is an entry in ClinVar:

ClinVar aggregate classification (germline): Conflicting classifications of pathogenicity. Review status: criteria provided, conflicting classifications (1 of 4 stars). 3 submissions from 3 submitters: Uncertain significance (1); Likely benign (2). Last evaluated 2026-01-22.

Conditions:
Hereditary breast ovarian cancer syndrome. Also called: Hereditary breast and ovarian cancer syndrome (HBOC); Hereditary breast and ovarian cancer syndrome; Breast and ovarian cancer; BRCA1- and BRCA2-Associated Hereditary Breast and Ovarian Cancer; Hereditary breast and ovarian cancer; Hereditary breast and/or ovarian cancer syndrome. Identifiers: Orphanet 145, MedGen C0677776, MeSH D061325, MONDO:0003582. Disease mechanism: loss of function.
Hereditary cancer-predisposing syndrome. Also called: Neoplastic Syndromes, Hereditary; Hereditary Cancer Syndrome; Hereditary neoplastic syndrome; Tumor predisposition. Identifiers: Orphanet 140162, MedGen C0027672, MeSH D009386, MONDO:0015356.

Allele frequency attached by ClinVar (database versions not stated): gnomAD exomes below 0.00001.
gnomAD v4.1: 1 of 1,614,108 alleles (0.000062%); highest among the groups gnomAD compares: Non-Finnish European, 0.000085%; no homozygotes.

Submissions (3):

Labcorp Genetics (formerly Invitae), Labcorp
Classification: Uncertain significance for Hereditary breast ovarian cancer syndrome. Last evaluated: 2026-01-22. Review status: criteria provided, single submitter. Criteria: Invitae Variant Classification Sherloc (09022015). Collection method: clinical testing. Allele origin: germline.
Comment: This sequence change replaces aspartic acid, which is acidic and polar, with glycine, which is neutral and non-polar, at codon 750 of the BRCA2 protein (p.Asp750Gly). This variant is not present in population databases (gnomAD no frequency). This variant has not been reported in the literature in individuals affected with BRCA2-related conditions. ClinVar contains an entry for this variant (Variation ID: 479378). Invitae Evidence Modeling of protein sequence and biophysical properties (such as structural, functional, and spatial information, amino acid conservation, physicochemical variation, residue mobility, and thermodynamic stability) indicates that this missense variant is not expected to disrupt BRCA2 protein function with a negative predictive value of 95%. In summary, the available evidence is currently insufficient to determine the role of this variant in disease. Therefore, it has been classified as a Variant of Uncertain Significance.

University of Washington Department of Laboratory Medicine, University of Washington
Classification: Likely benign for Hereditary cancer-predisposing syndrome. Last evaluated: 2023-03-23. Review status: criteria provided, single submitter. Criteria: Dines et al. (Genet Med. 2020). Collection method: curation. Allele origin: germline.
Comment: Missense variant in a coldspot region where missense variants are very unlikely to be pathogenic (PMID:31911673).

BRCA2 exon 11 coldspot. Reclassification based on statistical prior probability.

Ambry Genetics
Classification: Likely benign for Hereditary cancer-predisposing syndrome. Last evaluated: 2017-01-30. Review status: criteria provided, single submitter. Criteria: Ambry Variant Classification Scheme 2023. Collection method: clinical testing. Allele origin: germline.

NM_000059.4(BRCA2):c.2249A>G (p.Asp750Gly)

Gene: BRCA2 (BRCA2 DNA repair associated; plus strand). Cytogenetic location: 13q13.1.
Variant type: single nucleotide variant.
Coding change: c.2249A>G on transcript NM_000059.4 (MANE Select); coding-DNA position 2249, A replaced by G.
Protein change: p.Asp750Gly; replaces aspartic acid 750 with glycine.
Molecular consequence: missense variant.
Genome position (GRCh38, 1-based): chr13:32,336,604, A>G. VCF-style: chr13-32336604-A-G. GRCh37 (hg19) VCF-style: chr13-32910741-A-G.
Other names: short protein forms D750G.
Identifiers: ClinVar variation 479378 (VCV000479378.8), dbSNP rs1555282574, ClinGen allele CA387770889.
Genomic context (GRCh38, chr13:32,336,604, plus strand): 5'-AAGAAGAGGTCTTGGCTGCAGCATGTCACCCAGTACAACATTCAAAAGTGGAATACAGTG[A>G]TACTGACTTTCAATCCCAGAAAAGTCTTTTATATGATCATGAAAATGCCAGCACTCTTAT-3'
Protein context (NP_000050.3, residues 740-760): PVQHSKVEYS[Asp750Gly]TDFQSQKSLL